The following is an entry in ClinVar:

ClinVar aggregate classification (germline): Uncertain significance. Review status: criteria provided, single submitter (1 of 4 stars). 2 submissions from 2 submitters: Uncertain significance (1). 1 of the submissions does not count toward it. Last evaluated 2026-02-03.

Conditions:
Familial adenomatous polyposis 1 (FAP1). Also called: POLYPOSIS, ADENOMATOUS INTESTINAL; FAMILIAL ADENOMATOUS POLYPOSIS 1, ATTENUATED. Identifiers: MedGen C2713442, MONDO:0021056, OMIM 175100. Disease mechanism: loss of function.

Allele frequency attached by ClinVar (database versions not stated): gnomAD exomes 0.00001.
gnomAD v4.1: 2 of 1,370,580 alleles (0.00015%); highest among the groups gnomAD compares: Non-Finnish European, 0.000096%; no homozygotes.

Submissions (2):

Labcorp Genetics (formerly Invitae), Labcorp
Classification: Uncertain significance for Familial adenomatous polyposis 1. Last evaluated: 2026-02-03. Review status: criteria provided, single submitter. Criteria: Invitae Variant Classification Sherloc (09022015). Collection method: clinical testing. Allele origin: germline.
Comment: This variant occurs in a non-coding region of the APC gene. It does not change the encoded amino acid sequence of the APC protein. This variant is present in population databases (no rsID available, gnomAD 0.002%). This variant has not been reported in the literature in individuals affected with APC-related conditions. ClinVar contains an entry for this variant (Variation ID: 371825). Experimental studies and prediction algorithms are not available or were not evaluated, and the functional significance of this variant is currently unknown. In summary, the available evidence is currently insufficient to determine the role of this variant in disease. Therefore, it has been classified as a Variant of Uncertain Significance.

Counsyl
Classification: Uncertain significance for Familial adenomatous polyposis 1. Last evaluated: 2016-02-19. Review status: no assertion criteria provided. Collection method: clinical testing. Allele origin: unknown. Not counted in ClinVar's aggregate classification.

NM_001127511.3(APC):c.-12T>C

Gene: APC (APC regulator of Wnt signaling pathway; plus strand). Cytogenetic location: 5q22.2.
Variant type: single nucleotide variant.
Coding change: c.-12T>C on transcript NM_001127511.3; 12 bases upstream of the start codon, T replaced by C.
Molecular consequence: 5 prime UTR variant. On other transcripts: non-coding transcript variant (1), intron variant (5).
Genome position (GRCh38, 1-based): chr5:112,707,706, T>C. VCF-style: chr5-112707706-T-C. GRCh37 (hg19) VCF-style: chr5-112043403-T-C.
Other names: c.-195T>C (NM_001354895.2, NM_001407447.1, NM_001407452.1 and 3 more transcripts); c.-12T>C (NM_001354897.2, NM_001354902.2, NM_001407446.1); c.-1230T>C (NM_001407470.1, NM_001407472.1); c.-19+57T>C (NM_001407448.1, NM_001407450.1, NM_001407457.1 and 1 more transcripts); c.-43+57T>C (NM_001407453.1).
Identifiers: ClinVar variation 371825 (VCV000371825.10), dbSNP rs1057517554, ClinGen allele CA16042075.